The following is an entry in ClinVar:

NM_174936.4(PCSK9):c.1123T>G (p.Cys375Gly)

Gene: PCSK9 (proprotein convertase subtilisin/kexin type 9; plus strand). Cytogenetic location: 1p32.3.
Variant type: single nucleotide variant.
Coding change: c.1123T>G on transcript NM_174936.4 (MANE Select); coding-DNA position 1123, T replaced by G.
Protein change: p.Cys375Gly; replaces cysteine 375 with glycine.
Molecular consequence: missense variant.
Genome position (GRCh38, 1-based): chr1:55,057,457, T>G. VCF-style: chr1-55057457-T-G. GRCh37 (hg19) VCF-style: chr1-55523130-T-G.
Other names: c.1246T>G, p.Cys416Gly (NM_001407240.1); c.1123T>G, p.Cys375Gly (NM_001407241.1, NM_001407244.1, NM_001407247.1); c.1126T>G, p.Cys376Gly (NM_001407242.1); c.1066T>G, p.Cys356Gly (NM_001407243.1); c.931T>G, p.Cys311Gly (NM_001407245.1); c.748T>G, p.Cys250Gly (NM_001407246.1); short protein forms C375G, C250G, C311G, C376G, C416G, C356G.
Identifiers: ClinVar variation 927559 (VCV000927559.6), dbSNP rs1644724189, ClinGen allele CA340476752.

ClinVar aggregate classification (germline): Uncertain significance. Review status: criteria provided, multiple submitters, no conflicts (2 of 4 stars). 2 submissions from 2 submitters: Uncertain significance (2). Last evaluated 2025-09-22.

Conditions:
Hypercholesterolemia, autosomal dominant, 3 (FHCL3). Also called: PCSK9-Related Familial Hypercholesterolemia, Autosomal Dominant; Familial hypercholesterolemia 3; Familial Hypercholesterolemia, Autosomal Dominant, 3. Identifiers: MedGen C1863551, MONDO:0011369, OMIM 603776.
Familial hypercholesterolemia. Also called: Familial hypercholesterolaemia; Familial hypercholesterolemias. Identifiers: MedGen C0020445, MONDO:0005439.

Allele frequency attached by ClinVar (database versions not stated): gnomAD exomes below 0.00001.
gnomAD v4.1: 1 of 1,614,040 alleles (0.000062%); highest among the groups gnomAD compares: Non-Finnish European, 0.000085%; no homozygotes.

Submissions (2):

Color Diagnostics, LLC DBA Color Health
Classification: Uncertain significance for Familial hypercholesterolemia. Last evaluated: 2025-09-22. Review status: criteria provided, single submitter. Criteria: ACMG Guidelines, 2015. Collection method: clinical testing. Allele origin: germline.
Comment: This missense variant replaces cysteine with glycine at codon 375 of the PCSK9 protein. Computational prediction is inconclusive regarding the impact of this variant on protein structure and function. To our knowledge, functional studies have not been reported for this variant. This variant has not been reported in individuals affected with PCSK9-related disorders in the literature. This variant has not been identified in the general population by the Genome Aggregation Database (gnomAD). The available evidence is insufficient to determine the role of this variant in disease conclusively. Therefore, this variant is classified as a Variant of Uncertain Significance.

Fulgent Genetics
Classification: Uncertain significance for Hypercholesterolemia, autosomal dominant, 3. Last evaluated: 2021-07-02. Review status: criteria provided, single submitter. Criteria: ACMG Guidelines, 2015. Collection method: clinical testing. Allele origin: unknown.